The following is an entry in ClinVar:

NM_000213.5(ITGB4):c.4704C>T (p.Asn1568=)

Genes: GALK1 (galactokinase 1; minus strand), ITGB4 (integrin subunit beta 4; plus strand). Cytogenetic location: 17q25.1.
Variant type: single nucleotide variant.
Coding change: c.4704C>T on transcript NM_000213.5 (MANE Select); coding-DNA position 4704, C replaced by T.
Protein change: p.Asn1568=; no amino-acid change (asparagine 1568 retained).
Molecular consequence: synonymous variant. On other transcripts: intron variant (2).
Genome position (GRCh38, 1-based): chr17:75,755,846, C>T. VCF-style: chr17-75755846-C-T. GRCh37 (hg19) VCF-style: chr17-73751927-C-T.
Other names: c.4653C>T, p.Asn1551= (NM_001005619.2); c.4494C>T, p.Asn1498= (NM_001005731.3, NM_001321123.2); c.4349-583C>T (NM_001438834.1); c.*22+2188G>A (NM_001381985.1).
Identifiers: ClinVar variation 2891344 (VCV002891344.4), dbSNP rs745944120, ClinGen allele CA8770275.

ClinVar aggregate classification (germline): Likely benign. Review status: criteria provided, multiple submitters, no conflicts (2 of 4 stars). 2 submissions from 2 submitters: Likely benign (2). Last evaluated 2025-08-18.

Conditions:
ITGB4-related disorder. Also called: ITGB4-related condition.

Allele frequency attached by ClinVar (database versions not stated): ExAC 0.00004; gnomAD exomes 0.00002.
gnomAD v4.1: 38 of 1,603,528 alleles (0.0024%); highest among the groups gnomAD compares: South Asian, 0.023%; no homozygotes.

Submissions (2):

PreventionGenetics, part of Exact Sciences
Classification: Likely benign for ITGB4-related condition. Last evaluated: 2025-08-18. Review status: criteria provided, single submitter. Criteria: ACMG Guidelines, 2015. Collection method: clinical testing. Allele origin: germline.
Comment: This variant is classified as likely benign based on ACMG/AMP sequence variant interpretation guidelines (Richards et al. 2015 PMID: 25741868, with internal and published modifications).

Labcorp Genetics (formerly Invitae), Labcorp
Classification: Likely benign. Last evaluated: 2024-10-17. Review status: criteria provided, single submitter. Criteria: Invitae Variant Classification Sherloc (09022015). Collection method: clinical testing. Allele origin: germline.